The following is an entry in ClinVar:

NM_004621.6(TRPC6):c.2369G>A (p.Gly790Asp)

Gene: TRPC6 (transient receptor potential cation channel subfamily C member 6; minus strand). Cytogenetic location: 11q22.1.
Variant type: single nucleotide variant.
Coding change: c.2369G>A on transcript NM_004621.6 (MANE Select); coding-DNA position 2369, G replaced by A.
Protein change: p.Gly790Asp; replaces glycine 790 with aspartic acid.
Molecular consequence: missense variant.
Genome position (GRCh38, 1-based): chr11:101,471,223, C>T on the plus strand (G>A on the coding strand, the complement: TRPC6 is on the minus strand). VCF-style: chr11-101471223-C-T. GRCh37 (hg19) VCF-style: chr11-101341954-C-T.
Other names: short protein forms G790D.
Identifiers: ClinVar variation 2628962 (VCV002628962.1), dbSNP rs1859284930, ClinGen allele CA382438725.

ClinVar aggregate classification (germline): Uncertain significance (1 of 4 stars; one submission).

Conditions:
TRPC6-related disorder. Also called: TRPC6-related condition.

Allele frequency attached by ClinVar (database versions not stated): TOPMed below 0.00001.

Submission:

PreventionGenetics, part of Exact Sciences
Classification: Uncertain significance for TRPC6-related condition. Last evaluated: 2023-02-15. Review status: criteria provided, single submitter. Criteria: ACMG Guidelines, 2015. Collection method: clinical testing. Allele origin: germline.
Comment: The TRPC6 c.2369G>A variant is predicted to result in the amino acid substitution p.Gly790Asp. To our knowledge, this variant has not been reported in the literature or in a large population database, indicating this variant is rare. At this time, the clinical significance of this variant is uncertain due to the absence of conclusive functional and genetic evidence.